The following is an entry in ClinVar:

ClinVar aggregate classification (germline): Likely benign. Review status: criteria provided, single submitter (1 of 4 stars). 2 submissions from 2 submitters: Likely benign (1). 1 of the submissions does not count toward it. Last evaluated 2024-02-04.

Conditions:
EPCAM-related disorder. Also called: EPCAM-related condition.
Hereditary cancer-predisposing syndrome. Also called: Neoplastic Syndromes, Hereditary; Tumor predisposition; Hereditary neoplastic syndrome; Hereditary Cancer Syndrome. Identifiers: Orphanet 140162, MedGen C0027672, MeSH D009386, MONDO:0015356.

Allele frequency attached by ClinVar (database versions not stated): gnomAD exomes below 0.00001.
gnomAD v4.1: 4 of 1,614,094 alleles (0.00025%); highest among the groups gnomAD compares: South Asian, 0.0011%; no homozygotes.

Submissions (2):

Ambry Genetics
Classification: Likely benign for Hereditary cancer-predisposing syndrome. Last evaluated: 2024-02-04. Review status: criteria provided, single submitter. Criteria: Ambry Variant Classification Scheme 2023. Collection method: clinical testing. Allele origin: germline.

PreventionGenetics, part of Exact Sciences
Classification: Likely benign for EPCAM-related condition. Last evaluated: 2023-07-19. Review status: no assertion criteria provided. Collection method: clinical testing. Allele origin: germline. Not counted in ClinVar's aggregate classification.
Comment: This variant is classified as likely benign based on ACMG/AMP sequence variant interpretation guidelines (Richards et al. 2015 PMID: 25741868, with internal and published modifications).

NM_002354.3(EPCAM):c.369G>A (p.Gly123=)

Gene: EPCAM (epithelial cell adhesion molecule; plus strand). Cytogenetic location: 2p21.
Variant type: single nucleotide variant.
Coding change: c.369G>A on transcript NM_002354.3 (MANE Select); coding-DNA position 369, G replaced by A.
Protein change: p.Gly123=; no amino-acid change (glycine 123 retained).
Molecular consequence: synonymous variant.
Genome position (GRCh38, 1-based): chr2:47,373,992, G>A. VCF-style: chr2-47373992-G-A. GRCh37 (hg19) VCF-style: chr2-47601131-G-A.
Identifiers: ClinVar variation 3053821 (VCV003053821.3), dbSNP rs2103747797, ClinGen allele CA426119311.